The following continues an entry in ClinVar:

NM_007294.4(BRCA1):c.3G>T (p.Met1Ile)

Gene: BRCA1. ClinVar aggregate classification (germline): Pathogenic. Pathogenic (1).

Submissions 11 to 13 of 13:

Breast Cancer Information Core (BIC) (BRCA1)
Classification: Pathogenic for Breast-ovarian cancer, familial 1. Last evaluated: 2002-05-29. Review status: no assertion criteria provided. Collection method: clinical testing. Allele origin: germline. Affected: yes. Observed: 10 variant alleles. Not counted in ClinVar's aggregate classification.

Brotman Baty Institute, University of Washington
No classification provided (evidence only). Condition: Breast-ovarian cancer, familial 1. Review status: no classification provided. Collection method: in vitro. Allele origin: not applicable. Functional consequence: functionally_abnormal. Not counted in ClinVar's aggregate classification.
ClinVar note: "not provided" was previously submitted as the classification for the variant. However, the classification appeared to be based only on an observation of functional data so it was converted to no classification on 2025-07-30.

Department of Pathology and Laboratory Medicine, Sinai Health System
Classification: Pathogenic. Review status: no assertion criteria provided. Collection method: clinical testing. Allele origin: unknown. Affected: yes. Study: The Canadian Open Genetics Repository (COGR). Not counted in ClinVar's aggregate classification.
Comment: The BRCA1 p.Met1? variant was identified in the literature in multiple individuals affected by breast cancer (Rebbeck 2018, Lang 2017, Walsh 2011, Gao 2020). The variant was identified in dbSNP (ID: rs80357475), ClinVar (Pathogenic, 3 stars, reviewed by expert panel. Classified as pathogenic by ENIGMA, CIMBA, Fulgent, Ambry, Invitae, Women's College Hospital, BIC, University of Washington), LOVD 3.0 (4 entries, pathogenic), and ARUP Laboratories (Class 5-Definitely pathogenic) databases. The variant was not identified in the following control databases: the 1000 Genomes Project, the NHLBI GO Exome Sequencing Project, or the Genome Aggregation Database (March 6, 2019, v2.1.1). The p.Met1 residue is conserved in mammals and other organisms, and computational analyses (SIFT, Polyphen2, MT, FATHMM, DANN, MetaLR, Revel) suggest that the variant may impact the protein; however, this information is not predictive enough to assume pathogenicity. This sequence change affects the initiator methionine of the BRCA1 mRNA. While it is expected to result in an absent or disrupted protein product, alternate in-frame methionines downstream of the initiator codon could potentially rescue the translation initiation. A saturation genome editing (SGE) assay for BRCA1 NM_007294.3:c.3G>T produced a function score of -1.9, corresponding to a functional classification of loss of function (Findlay 2018). Another experimental study found that expressing a different variant (p.Met1Arg) in yeast cells, disrupted the initiator methionine and resulted in no protein product (Millot 2011), suggesting that disruption of the initiator methionine affects translation initiation and results in loss of BRCA1 protein function. Â¬â€ In summary, based on the above information this variant meets our laboratoryâ€šÃ„Ã´s criteria to be classified as pathogenic.

Literature cited by the submitters: PubMed 31131967 (cited by 3 submitters); PubMed 22006311 (cited by 4 submitters); PubMed 26287763 (cited by Women's Health and Genetics/Laboratory Corporation of America, LabCorp); PubMed 28294317 (cited by Women's Health and Genetics/Laboratory Corporation of America, LabCorp and Mayo Clinic Laboratories, Mayo Clinic); PubMed 30209399 (cited by 3 submitters); PubMed 38333895 (cited by Women's Health and Genetics/Laboratory Corporation of America, LabCorp); PubMed 9145677 (cited by Mayo Clinic Laboratories, Mayo Clinic and Labcorp Genetics (formerly Invitae), Labcorp); PubMed 21922593 (cited by Labcorp Genetics (formerly Invitae), Labcorp); PubMed 15235020 (cited by Quest Diagnostics Nichols Institute San Juan Capistrano); PubMed 22753008 (cited by Quest Diagnostics Nichols Institute San Juan Capistrano); PubMed 29446198 (cited by Quest Diagnostics Nichols Institute San Juan Capistrano); PubMed 30702160 (cited by Quest Diagnostics Nichols Institute San Juan Capistrano); PubMed 31825140 (cited by Quest Diagnostics Nichols Institute San Juan Capistrano); PubMed 32719484 (cited by Quest Diagnostics Nichols Institute San Juan Capistrano); PubMed 33087888 (cited by Quest Diagnostics Nichols Institute San Juan Capistrano); PubMed 8807330 (cited by Quest Diagnostics Nichols Institute San Juan Capistrano); PubMed 33471991 (cited by Quest Diagnostics Nichols Institute San Juan Capistrano).